The following is an entry in ClinVar:

NM_007294.4(BRCA1):c.5360G>A (p.Cys1787Tyr)

Gene: BRCA1 (BRCA1 DNA repair associated; minus strand). Cytogenetic location: 17q21.31.
Variant type: single nucleotide variant.
Coding change: c.5360G>A on transcript NM_007294.4 (MANE Select); coding-DNA position 5360, G replaced by A.
Protein change: p.Cys1787Tyr; replaces cysteine 1787 with tyrosine.
Molecular consequence: missense variant. On other transcripts: non-coding transcript variant (1), intron variant (1).
Genome position (GRCh38, 1-based): chr17:43,049,167, C>T on the plus strand (G>A on the coding strand, the complement: BRCA1 is on the minus strand). VCF-style: chr17-43049167-C-T. GRCh37 (hg19) VCF-style: chr17-41201184-C-T.
Other names: c.5024G>A, p.Cys1675Tyr (NM_001407951.1, NM_001407952.1, NM_001407953.1 and 3 more transcripts); c.5021G>A, p.Cys1674Tyr (NM_001407956.1, NM_001407957.1, NM_001407958.1); c.4979G>A, p.Cys1660Tyr (NM_001407959.1); c.4976G>A, p.Cys1659Tyr (NM_001407960.1, NM_001407962.1); c.2117G>A, p.Cys706Tyr (NM_001407971.1, NM_001407970.1); c.2114G>A, p.Cys705Tyr (NM_001407972.1); c.2051G>A, p.Cys684Tyr (NM_001407973.1, NM_001407974.1, NM_001407975.1 and 3 more transcripts); c.2048G>A, p.Cys683Tyr (NM_001407979.1, NM_001407980.1, NM_001407993.1 and 11 more transcripts); and 73 more; short protein forms C1740Y, C1808Y, C683Y, C1787Y, C1658Y, C1674Y, C1718Y, C1743Y.
Identifiers: ClinVar variation 662455 (VCV000662455.25), dbSNP rs1597801649, ClinGen allele CA10590746.

ClinVar aggregate classification (germline): Likely pathogenic. Review status: criteria provided, multiple submitters, no conflicts (2 of 4 stars). 7 submissions from 7 submitters: Likely pathogenic (6). 1 of the submissions does not count toward it. Last evaluated 2026-03-05.

Conditions:
Hereditary breast ovarian cancer syndrome. Also called: Hereditary breast and ovarian cancer syndrome (HBOC); Hereditary breast and ovarian cancer; BRCA1- and BRCA2-Associated Hereditary Breast and Ovarian Cancer; Breast and ovarian cancer; Hereditary breast and ovarian cancer syndrome; Hereditary breast and/or ovarian cancer syndrome. Identifiers: Orphanet 145, MedGen C0677776, MeSH D061325, MONDO:0003582. Disease mechanism: loss of function.
Hereditary cancer-predisposing syndrome. Also called: Hereditary neoplastic syndrome; Tumor predisposition; Hereditary Cancer Syndrome; Neoplastic Syndromes, Hereditary. Identifiers: Orphanet 140162, MedGen C0027672, MeSH D009386, MONDO:0015356.
Malignant tumor of breast. Also called: Malignant breast neoplasm; Cancer breast. Identifiers: MedGen C0006142, MONDO:0007254. Disease mechanism: loss of function.

Submissions (8):

GeneDx
Classification: Likely pathogenic. Last evaluated: 2026-03-05. Review status: criteria provided, single submitter. Criteria: GeneDx Variant Classification Process June 2021. Collection method: clinical testing. Allele origin: germline.
Comment: Published functional studies suggest a damaging effect: variant classified as non-functional based on a saturation genome editing (SGE) assay measuring cell survival (PMID: 30209399); In silico analysis supports that this missense variant has a deleterious effect on protein structure/function; Not observed at significant frequency in large population cohorts (gnomAD); Also known as 5479G>A; This variant is associated with the following publications: (PMID: 30209399, 25348405, 38918649, 33558524)

Center for Genomic Medicine, Rigshospitalet, Copenhagen University Hospital
Classification: Likely pathogenic. Last evaluated: 2025-12-29. Review status: criteria provided, single submitter. Criteria: ACMG Guidelines, 2015. Collection method: clinical testing. Allele origin: germline.

Institute for Genomic Medicine (IGM) Clinical Laboratory, Nationwide Children's Hospital
Classification: Likely pathogenic for Hereditary cancer-predisposing syndrome. Last evaluated: 2025-09-02. Review status: criteria provided, single submitter. Criteria: ACMG Guidelines, 2015. Collection method: clinical testing. Allele origin: germline.
Comment: Well-established functional studies have demonstrated this variant to have a damaging effect on protein function or splicing (ACMG/AMP: PS3_Moderate; PMID:30209399). This variant has been reported at an elevated frequency in affected individuals/in multiple affected individuals in the literature (ACMG/AMP: PS4_Supporting; PMID:33558524). This variant is located in a mutational hot spot and/or critical and well-established functional domain (ACMG/AMP: PM1; PMID:30209399). This variant is absent from or present at an exceedingly low frequency in gnomAD, a large-scale control population database (ACMG/AMP: PM2). This variant is predicted to alter protein function or structure, or disrupt splicing by multiple in silico tools (ACMG/AMP: PP3).

Labcorp Genetics (formerly Invitae), Labcorp
Classification: Likely pathogenic for Hereditary breast ovarian cancer syndrome. Last evaluated: 2025-08-28. Review status: criteria provided, single submitter. Criteria: Invitae Variant Classification Sherloc (09022015). Collection method: clinical testing. Allele origin: germline.
Comment: This sequence change replaces cysteine, which is neutral and slightly polar, with tyrosine, which is neutral and polar, at codon 1787 of the BRCA1 protein (p.Cys1787Tyr). This variant is not present in population databases (gnomAD no frequency). This missense change has been observed in individual(s) with breast and/or ovarian cancer (PMID: 33558524; internal data). It has also been observed to segregate with disease in related individuals. ClinVar contains an entry for this variant (Variation ID: 662455). Invitae Evidence Modeling incorporating data from in vitro experimental studies (PMID: 30209399) indicates that this missense variant is expected to disrupt BRCA1 function with a positive predictive value of 95%. Experimental studies have shown that this missense change affects BRCA1 function (PMID: 30209399). In summary, the currently available evidence indicates that the variant is pathogenic, but additional data are needed to prove that conclusively. Therefore, this variant has been classified as Likely Pathogenic.

Ambry Genetics
Classification: Likely pathogenic for Hereditary cancer-predisposing syndrome. Last evaluated: 2024-03-14. Review status: criteria provided, single submitter. Criteria: Ambry Variant Classification Scheme 2023. Collection method: clinical testing. Allele origin: germline.
Comment: The p.C1787Y variant (also known as c.5360G>A), located in coding exon 20 of the BRCA1 gene, results from a G to A substitution at nucleotide position 5360. The cysteine at codon 1787 is replaced by tyrosine, an amino acid with highly dissimilar properties. This alteration was identified in an individual diagnosed with breast cancer (Moradian MM et al. Hum Genome Var, 2021 Feb;8:9). One functional study found that this nucleotide substitution is non-functional in a high throughput genome editing haploid cell survival assay (Findlay GM et al. Nature, 2018 Oct;562:217-222). This amino acid position is highly conserved in available vertebrate species. In addition, this alteration is predicted to be deleterious by in silico analysis. This variant is considered to be rare based on population cohorts in the Genome Aggregation Database (gnomAD). Based on the majority of available evidence to date, this variant is likely to be pathogenic.

Quest Diagnostics Nichols Institute San Juan Capistrano
Classification: Likely pathogenic. Last evaluated: 2023-06-30. Review status: criteria provided, single submitter. Criteria: Quest Diagnostics criteria. Collection method: clinical testing. Allele origin: unknown.
Comment: The BRCA1 c.5360G>A (p.Cys1787Tyr) variant has been reported in the published literature in affected individual with early onset breast cancer (PMID: 33558524 (2021)). A saturation genome editing assay demonstrated that this variant was damaging to protein function (PMID: 30209399 (2018)). This variant has not been reported in large, multi-ethnic general populations (Genome Aggregation Database). Analysis of this variant using bioinformatics tools for the prediction of the effect of amino acid changes on protein structure and function yielded conflicting predictions that this variant is deleterious or benign. Based on the available information, this variant is classified as likely pathogenic.

Center of Medical Genetics and Primary Health Care
Classification: Uncertain significance for Breast Cancer. Last evaluated: 2020-06-10. Review status: no assertion criteria provided. Collection method: research. Allele origin: germline. Inheritance: Autosomal dominant inheritance. Affected: yes. Observed: 1 heterozygote. Not counted in ClinVar's aggregate classification.
Comment: ACMG Guidelines 2015 criteria This variant is in exon 21 of the BRCA1 gene in the BRCT functional domain (aa.1756-1855). This domain of about 95 amino acids is found in a large variety of proteins involved in DNA repair, recombination and cell cycle control (Bork et al., 1997). The BRCT domain is not limited to the C-terminal of protein sequences and can be found in multiple copies or in a single copy as in RAP1 and TdT. Some data indicated that the BRCT domain functions as a protein-protein interaction module (Zhang et al., 1998). This variant is found in a mutational hotspot of 33 pathogenic nonsense, and frameshift variants (PM1 Pathogenic Moderate). One different missense change at the same amino acid residue (chr17:41201185A>T (Cys1787Ser)) has been reported in ClinVar but with conflicting interpretations of pathogenicity. The variant is not found in GnomAD exomes neither in GnomAD genomes (PM2 Pathogenic Moderate). 11 pathogenic predictions from DANN, EIGEN, FATHMM-MKL, M-CAP, MVP, MutationAssessor, MutationTaster, REVEL, SIFT, PolyPhen-2, and Align-GVGD versus 2 benign predictions from DEOGEN2 and PrimateAI support its deleterious effect (PP3 Pathogenic Supporting). Based on this evidence, we classified it as a Variant of Unknown Significance.

Brotman Baty Institute, University of Washington
No classification provided (evidence only). Condition: Breast-ovarian cancer, familial 1. Review status: no classification provided. Collection method: in vitro. Allele origin: not applicable. Functional consequence: functionally_abnormal. Not counted in ClinVar's aggregate classification.
ClinVar note: "not provided" was previously submitted as the classification for the variant. However, the classification appeared to be based only on an observation of functional data so it was converted to no classification on 2025-07-30.

Literature cited by the submitters: PubMed 30209399 (cited by 5 submitters); PubMed 33558524 (cited by 5 submitters).